The following is an entry in ClinVar:

ClinVar aggregate classification (germline): Uncertain significance (1 of 4 stars; one submission).

Conditions:
Alstrom syndrome (ALMS). Identifiers: Orphanet 64, MedGen C0268425, MONDO:0008763, OMIM 203800.

Submission:

Labcorp Genetics (formerly Invitae), Labcorp
Classification: Uncertain significance for Alstrom syndrome. Last evaluated: 2020-10-27. Review status: criteria provided, single submitter. Criteria: Invitae Variant Classification Sherloc (09022015). Collection method: clinical testing. Allele origin: germline.
Comment: In summary, the available evidence is currently insufficient to determine the role of this variant in disease. Therefore, it has been classified as a Variant of Uncertain Significance. Experimental studies and prediction algorithms are not available or were not evaluated, and the functional significance of this variant is currently unknown. This variant has not been reported in the literature in individuals with ALMS1-related conditions. This variant is not present in population databases (ExAC no frequency). This sequence change replaces serine with threonine at codon 2666 of the ALMS1 protein (p.Ser2666Thr). The serine residue is moderately conserved and there is a small physicochemical difference between serine and threonine.

NM_001378454.1(ALMS1):c.7994G>C (p.Ser2665Thr)

Gene: ALMS1 (ALMS1 centrosome and basal body associated protein; plus strand). Cytogenetic location: 2p13.1.
Variant type: single nucleotide variant.
Coding change: c.7994G>C on transcript NM_001378454.1 (MANE Select); coding-DNA position 7994, G replaced by C.
Protein change: p.Ser2665Thr; replaces serine 2665 with threonine.
Molecular consequence: missense variant.
Genome position (GRCh38, 1-based): chr2:73,489,953, G>C. VCF-style: chr2-73489953-G-C. GRCh37 (hg19) VCF-style: chr2-73717080-G-C.
Other names: c.7997G>C, p.Ser2666Thr (NM_015120.4); short protein forms S2665T, S2666T.
Identifiers: ClinVar variation 1060808 (VCV001060808.7), dbSNP rs1672940448, ClinGen allele CA347266815.